The following is an entry in ClinVar:

ClinVar aggregate classification (germline): Uncertain significance. Review status: criteria provided, multiple submitters, no conflicts (2 of 4 stars). 3 submissions from 3 submitters: Uncertain significance (3). Last evaluated 2025-09-02.

Conditions:
Paget disease of bone 2, early-onset (PDB2). Also called: Paget disease of bone 2. Identifiers: MedGen C4085251, MONDO:0011183, OMIM 602080.
Frontotemporal dementia and/or amyotrophic lateral sclerosis 1 (FTDALS1). Also called: Frontotemporal dementia with motor neuron disease 1; C9orf72 Frontotemporal Dementia and/or Amyotrophic Lateral Sclerosis. Identifiers: Orphanet 275872, MedGen C5779877, MONDO:0007105, OMIM 105550.
Inborn genetic diseases. Identifiers: MedGen C0950123, MeSH D030342.

Allele frequency attached by ClinVar (database versions not stated): gnomAD exomes below 0.00001 and 0.00003; TOPMed 0.00001; ExAC 0.00002; gnomAD 0.00002 and 0.00003; 1000 Genomes Project 30x 0.00016; 1000 Genomes Project 0.00020.
gnomAD v4.1: 11 of 1,613,894 alleles (0.00068%); highest among the groups gnomAD compares: East Asian, 0.022%; no homozygotes.

Submissions (3):

Labcorp Genetics (formerly Invitae), Labcorp
Classification: Uncertain significance for Paget disease of bone 2, early-onset; Frontotemporal dementia and/or amyotrophic lateral sclerosis 1. Last evaluated: 2025-09-02. Review status: criteria provided, single submitter. Criteria: Invitae Variant Classification Sherloc (09022015). Collection method: clinical testing. Allele origin: germline.
Comment: This sequence change replaces valine, which is neutral and non-polar, with methionine, which is neutral and non-polar, at codon 188 of the SQSTM1 protein (p.Val188Met). This variant is present in population databases (rs371832577, gnomAD 0.04%). This variant has not been reported in the literature in individuals affected with SQSTM1-related conditions. ClinVar contains an entry for this variant (Variation ID: 1507071). Invitae Evidence Modeling of protein sequence and biophysical properties (such as structural, functional, and spatial information, amino acid conservation, physicochemical variation, residue mobility, and thermodynamic stability) indicates that this missense variant is not expected to disrupt SQSTM1 protein function with a negative predictive value of 80%. In summary, the available evidence is currently insufficient to determine the role of this variant in disease. Therefore, it has been classified as a Variant of Uncertain Significance.

Ambry Genetics
Classification: Uncertain significance for Inborn genetic diseases. Last evaluated: 2022-10-04. Review status: criteria provided, single submitter. Criteria: Ambry Variant Classification Scheme 2023. Collection method: clinical testing. Allele origin: germline.

Athena Diagnostics
Classification: Uncertain significance. Last evaluated: 2022-07-26. Review status: criteria provided, single submitter. Criteria: Athena Diagnostics Criteria. Collection method: clinical testing. Allele origin: unknown.

NM_003900.5(SQSTM1):c.562G>A (p.Val188Met)

Gene: SQSTM1 (sequestosome 1; plus strand). Cytogenetic location: 5q35.3.
Variant type: single nucleotide variant.
Coding change: c.562G>A on transcript NM_003900.5 (MANE Select); coding-DNA position 562, G replaced by A.
Protein change: p.Val188Met; replaces valine 188 with methionine.
Molecular consequence: missense variant.
Genome position (GRCh38, 1-based): chr5:179,824,212, G>A. VCF-style: chr5-179824212-G-A. GRCh37 (hg19) VCF-style: chr5-179251212-G-A.
Other names: c.310G>A, p.Val104Met (NM_001142298.2, NM_001142299.2); short protein forms V104M, V188M.
Identifiers: ClinVar variation 1507071 (VCV001507071.8), dbSNP rs371832577, ClinGen allele CA3600569.
Genomic context (GRCh38, chr5:179,824,212, plus strand): 5'-TGCCTGCCGCTCTGCTAATTCCTCCCCCAGGGCTTCTCGCACAGCCGCTGGCTCCGGAAG[G>A]TGAAACACGGACACTTCGGGTGGCCAGGATGGGAAATGGGTCCACCAGGAAACTGGAGCC-3'
Protein context (NP_003891.1, residues 178-198): GFSHSRWLRK[Val188Met]KHGHFGWPGW